The following is an entry in ClinVar:

NM_001849.4(COL6A2):c.1059del (p.Asp354fs)

Gene: COL6A2 (collagen type VI alpha 2 chain; plus strand). Cytogenetic location: 21q22.3.
Variant type: Deletion.
Coding change: c.1059del on transcript NM_001849.4 (MANE Select); coding-DNA position 1059, one base deleted (C; older notation c.1059delC).
Protein change: p.Asp354fs; shifts the reading frame from aspartic acid 354.
Molecular consequence: frameshift variant.
Genome position (GRCh38, 1-based): chr21:46,117,879, C deleted; the last of 4 consecutive C bases (chr21:46,117,876-46,117,879); deleting any one gives the same sequence. VCF-style (leftmost placement, unchanged base first): chr21-46117875-GC-G. GRCh37 (hg19) VCF-style: chr21-47537789-GC-G.
Other names: c.1059delC (NM_001849.3); c.1059del, p.Asp354fs (NM_058174.3, NM_058175.3); short protein forms D354fs.
Identifiers: ClinVar variation 542957 (VCV000542957.7), dbSNP rs1555873508, ClinGen allele CA658799476.

ClinVar aggregate classification (germline): Pathogenic (1 of 4 stars; one submission).

Conditions:
Bethlem myopathy 1A. Also called: MYOPATHY, BENIGN CONGENITAL, WITH CONTRACTURES; Bethlem Muscular Dystrophy; Bethlem myopathy 1. Identifiers: Orphanet 610, MedGen CN029274, MONDO:0024530, OMIM 158810.

Submission:

Labcorp Genetics (formerly Invitae), Labcorp
Classification: Pathogenic for Bethlem myopathy 1A. Last evaluated: 2018-03-09. Review status: criteria provided, single submitter. Criteria: Invitae Variant Classification Sherloc (09022015). Collection method: clinical testing. Allele origin: germline.
Comment: For these reasons, this variant has been classified as Pathogenic. Loss-of-function variants in COL6A2 are known to be pathogenic (PMID: 19884007, 20976770). This variant has not been reported in the literature in individuals with COL6A2-related disease. This variant is not present in population databases (ExAC no frequency). This sequence change creates a premature translational stop signal (p.Asp354Thrfs*54) in the COL6A2 gene. It is expected to result in an absent or disrupted protein product.

Literature cited by the submitters: PubMed 19884007; PubMed 20976770.